The following is an entry in ClinVar:

ClinVar aggregate classification (germline): Pathogenic (1 of 4 stars; one submission).

Conditions:
Charcot-Marie-Tooth disease type 4. Also called: Charcot-Marie-Tooth disease, type IV; Charcot-Marie-Tooth, Type 4. Identifiers: Orphanet 64749, MedGen C4082197, MONDO:0018995.

Submission:

Labcorp Genetics (formerly Invitae), Labcorp
Classification: Pathogenic for Charcot-Marie-Tooth disease type 4. Last evaluated: 2021-12-27. Review status: criteria provided, single submitter. Criteria: Invitae Variant Classification Sherloc (09022015). Collection method: clinical testing. Allele origin: germline.
Comment: For these reasons, this variant has been classified as Pathogenic. This variant has not been reported in the literature in individuals affected with FIG4-related conditions. This variant is not present in population databases (gnomAD no frequency). This sequence change creates a premature translational stop signal (p.Cys691Leufs*10) in the FIG4 gene. It is expected to result in an absent or disrupted protein product. Loss-of-function variants in FIG4 are known to be pathogenic (PMID: 23623387).

Literature cited by the submitters: PubMed 23623387.

NM_014845.6(FIG4):c.2071dup (p.Cys691fs)

Gene: FIG4 (FIG4 phosphoinositide 5-phosphatase; plus strand). Cytogenetic location: 6q21.
Variant type: Duplication.
Coding change: c.2071dup on transcript NM_014845.6 (MANE Select); coding-DNA position 2071, one base duplicated (T; older notation c.2071dupT).
Protein change: p.Cys691fs; shifts the reading frame from cysteine 691.
Molecular consequence: frameshift variant.
Genome position (GRCh38, 1-based): chr6:109,786,424, T duplicated; the last of 4 consecutive T bases (chr6:109,786,421-109,786,424); duplicating any one gives the same sequence. VCF-style (leftmost placement, unchanged base first): chr6-109786420-C-CT. GRCh37 (hg19) VCF-style: chr6-110107623-C-CT.
Other names: short protein forms C691fs.
Identifiers: ClinVar variation 2202635 (VCV002202635.4), dbSNP rs2486221823, ClinGen allele CA2580075002.
Genomic context (GRCh38, chr6:109,786,420, plus strand): 5'-AGAGATTGATATCCACAATGAGTTCTTTCGGCCATATGAGTTGAGCAGCTTTGATGATAC[C>CT]TTTTGCTTGGCTATGACAAGCTCAGCACGGTATGTTGTGTGTATTCTGATACCATAAGTA-3'